The following is an entry in ClinVar:

ClinVar aggregate classification (germline): Pathogenic. Review status: criteria provided, multiple submitters, no conflicts (2 of 4 stars). 5 submissions from 5 submitters: Pathogenic (5). Last evaluated 2025-10-09.

Conditions:
Wolfram-like syndrome. Also called: HEARING LOSS, PROGRESSIVE, WITH OPTIC ATROPHY AND/OR IMPAIRED GLUCOSE REGULATION. Identifiers: Orphanet 411590, MedGen C3280358, MONDO:0013673, OMIM 614296.

Submissions (5):

Molecular Genetics and NGS Laboratory, Hospital Fundacion Valle Del Lili
Classification: Pathogenic for Wolfram-like syndrome. Last evaluated: 2025-10-09. Review status: criteria provided, single submitter. Criteria: ACMG Guidelines, 2015. Collection method: clinical testing. Allele origin: de novo. Inheritance: Autosomal dominant inheritance. Affected: yes.
Comment: In light of the clinical suspicion, whole-exome sequencing was conducted and identified a in heterozygous missense variant in the WFS1 gene (NM_006005.3:c. 2425G>A; p.Glu809Lys. This variant was classified as pathogenic according to the American College of Medical Genetics and Genomics (ACMG) guidelines, based on the following criteria: PS2, PS3, PP3, PM2. Classic-Wolfram syndrome and Wolfram-like syndrome associated with the WFS1 have been described.

Illumina Laboratory Services, Illumina
Classification: Pathogenic for Wolfram-like syndrome. Last evaluated: 2021-07-16. Review status: criteria provided, single submitter. Criteria: ICSLVariantClassificationCriteria RUGD 01 April 2020. Collection method: clinical testing. Allele origin: unknown.
Comment: The WFS1 c.2425G>A (p.Glu809Lys) variant is a missense variant that has been reported in at least six individuals with Wolfram-like syndrome (Matsunaga et al. 2014; Chaussenot et al. 2015; Prochazkova et al. 2016; De Franco et al. 2017). The variant was noted to be found in a de novo state in three individuals for whom parental samples were available for testing (Prochazkova et al. 2016; De Franco et al. 2017). Affected individuals show clinical features of diabetes mellitus, optic atrophy, hearing loss, psychomotor delay, hypotonia and intellectual disability. Dysmorphic features are not common but have been noted in one patient (Prochazkova et al. 2016). The p.Glu809Lys variant is not found in the Genome Aggregation Database in either version 2.1.1 or version 3.1.1 in a region of good sequence coverage, so the variant is presumed to be rare. The Glu809 residue is located in the C-terminal region of the protein. Functional studies have shown that the p.Glu809Lys variant affects protein folding and has a dominant negative effect on the wild-type protein in HeLa and HEK293 cells, as measured by significantly increased endoplasmic reticulum stress response reporter activity in cells expressing the variant protein (De Franco et al. 2017; Batjargal et al. 2020). Based on the available evidence, the p.Glu809Lys variant is classified as pathogenic for Wolfram-like syndrome.

GeneDx
Classification: Pathogenic. Last evaluated: 2021-06-27. Review status: criteria provided, single submitter. Criteria: GeneDx Variant Classification Process June 2021. Collection method: clinical testing. Allele origin: germline. Affected: yes.
Comment: Published functional studies demonstrate that this variant induces endoplasmic reticulum stress by affecting the protein folding and processing (De Franco et al., 2017); Not observed at significant frequency in large population cohorts (Lek et al., 2016); In silico analysis supports that this missense variant does not alter protein structure/function; This variant is associated with the following publications: (PMID: 27535533, 28468959, 25211237, 27217304)

Equipe Genetique des Anomalies du Developpement, Université de Bourgogne
Classification: Pathogenic for Wolfram-like syndrome. Last evaluated: 2017-01-30. Review status: criteria provided, single submitter. Criteria: ACMG Guidelines, 2015. Collection method: clinical testing. Allele origin: de novo. Affected: yes. Observed: 1 heterozygote.

Kasturba Medical College, Manipal, Kasturba Medical College, Manipal, Manipal Academy of Higher Education, Manipal, India
Classification: Pathogenic for Wolfram-like syndrome. Review status: criteria provided, single submitter. Criteria: ACMG Guidelines, 2015. Collection method: research. Allele origin: de novo. Inheritance: Autosomal dominant inheritance. Affected: yes.
Comment: This variant is absent in population database gnomAD v4.1.0 and our in-house database of 3502 exomes in both heterozygous and/or homozygous state. In silico analysis tools (REVEL, CADD_phred) are consistent in predicting the variant as damaging to WFS1 protein function. Previously performed functional studies have shown that the p.Glu809Lys variant affects protein folding and leads to increased endoplasmic reticulum stress response reporter activity in HeLa cells expressing the variant (De Franco et al., 2017).

Literature cited by the submitters: DOI 10.4274/jcrpe.3021 (cited by Molecular Genetics and NGS Laboratory, Hospital Fundacion Valle Del Lili); PubMed 24890733 (cited by Illumina Laboratory Services, Illumina); PubMed 25211237 (cited by Illumina Laboratory Services, Illumina); PubMed 27217304 (cited by Illumina Laboratory Services, Illumina and Kasturba Medical College, Manipal, Kasturba Medical College, Manipal, Manipal Academy of Higher Education, Manipal, India); PubMed 28468959 (cited by Illumina Laboratory Services, Illumina and Kasturba Medical College, Manipal, Kasturba Medical College, Manipal, Manipal Academy of Higher Education, Manipal, India); PubMed 32219690 (cited by Illumina Laboratory Services, Illumina).

NM_006005.3(WFS1):c.2425G>A (p.Glu809Lys)

Gene: WFS1 (wolframin ER transmembrane glycoprotein; plus strand). Cytogenetic location: 4p16.1.
Variant type: single nucleotide variant.
Coding change: c.2425G>A on transcript NM_006005.3 (MANE Select); coding-DNA position 2425, G replaced by A.
Protein change: p.Glu809Lys; replaces glutamic acid 809 with lysine.
Molecular consequence: missense variant.
Genome position (GRCh38, 1-based): chr4:6,302,220, G>A. VCF-style: chr4-6302220-G-A. GRCh37 (hg19) VCF-style: chr4-6303947-G-A.
Other names: p.E809K:GAG>AAG; p.Glu809Lys; c.2425G>A, p.Glu809Lys (NM_001145853.1); short protein forms E809K.
Identifiers: ClinVar variation 215413 (VCV000215413.9), dbSNP rs71539673, ClinGen allele CA325167.